The following is an entry in ClinVar:

ClinVar aggregate classification (germline): Uncertain significance (1 of 4 stars; one submission).

Conditions:
Hereditary cancer-predisposing syndrome. Also called: Neoplastic Syndromes, Hereditary; Tumor predisposition; Hereditary Cancer Syndrome; Hereditary neoplastic syndrome. Identifiers: Orphanet 140162, MedGen C0027672, MeSH D009386, MONDO:0015356.

Submission:

Ambry Genetics
Classification: Uncertain significance for Hereditary cancer-predisposing syndrome. Last evaluated: 2022-08-01. Review status: criteria provided, single submitter. Criteria: Ambry Variant Classification Scheme 2023. Collection method: clinical testing. Allele origin: germline.
Comment: The p.K63E variant (also known as c.187A>G), located in coding exon 2 of the PRKAR1A gene, results from an A to G substitution at nucleotide position 187. The lysine at codon 63 is replaced by glutamic acid, an amino acid with similar properties. This amino acid position is conserved. In addition, the in silico prediction for this alteration is inconclusive. Since supporting evidence is limited at this time, the clinical significance of this alteration remains unclear.

NM_002734.5(PRKAR1A):c.187A>G (p.Lys63Glu)

Gene: PRKAR1A (protein kinase cAMP-dependent type I regulatory subunit alpha; plus strand). Cytogenetic location: 17q24.2.
Variant type: single nucleotide variant.
Coding change: c.187A>G on transcript NM_002734.5 (MANE Select); coding-DNA position 187, A replaced by G.
Protein change: p.Lys63Glu; replaces lysine 63 with glutamic acid.
Molecular consequence: missense variant.
Genome position (GRCh38, 1-based): chr17:68,522,765, A>G. VCF-style: chr17-68522765-A-G. GRCh37 (hg19) VCF-style: chr17-66518906-A-G.
Other names: c.187A>G, p.Lys63Glu (NM_001276289.2, NM_001276290.1, NM_001278433.2 and 4 more transcripts); short protein forms K63E.
Identifiers: ClinVar variation 1781852 (VCV001781852.2), dbSNP rs2509398317, ClinGen allele CA400752173.